The following is an entry in ClinVar:

ClinVar aggregate classification (germline): Uncertain significance (1 of 4 stars; one submission).

Conditions:
Cardiovascular phenotype. Identifiers: MedGen CN230736.
Hereditary cancer-predisposing syndrome. Also called: Neoplastic Syndromes, Hereditary; Tumor predisposition; Hereditary neoplastic syndrome; Hereditary Cancer Syndrome. Identifiers: Orphanet 140162, MedGen C0027672, MeSH D009386, MONDO:0015356.

Submission:

Ambry Genetics
Classification: Uncertain significance for Cardiovascular phenotype; Hereditary cancer-predisposing syndrome. Last evaluated: 2026-09-14. Review status: criteria provided, single submitter. Criteria: Ambry Variant Classification Scheme 2023. Collection method: clinical testing. Allele origin: germline.
Comment: The p.A2312P variant (also known as c.6934G>C), located in coding exon 46 of the NF1 gene, results from a G to C substitution at nucleotide position 6934. The alanine at codon 2312 is replaced by proline, an amino acid with highly similar properties. This amino acid position is conserved. In addition, the in silico prediction for this alteration is inconclusive. Based on the available evidence, the clinical significance of this variant remains unclear.

NM_001042492.3(NF1):c.6997G>C (p.Ala2333Pro)

Gene: NF1 (neurofibromin 1; plus strand). Cytogenetic location: 17q11.2.
Variant type: single nucleotide variant.
Coding change: c.6997G>C on transcript NM_001042492.3 (MANE Select); coding-DNA position 6997, G replaced by C.
Protein change: p.Ala2333Pro; replaces alanine 2333 with proline.
Molecular consequence: missense variant.
Genome position (GRCh38, 1-based): chr17:31,340,580, G>C. VCF-style: chr17-31340580-G-C. GRCh37 (hg19) VCF-style: chr17-29667598-G-C.
Other names: c.6934G>C, p.Ala2312Pro (NM_000267.4); short protein forms A2333P, A2312P.
Identifiers: ClinVar variation 5025670 (VCV005025670.1).
Genomic context (GRCh38, chr17:31,340,580, plus strand): 5'-AAAGCCCTCTTTTGGGTAGCTGTGGCTGTGCTGCAGCTTGATGAGGTCAACTTGTATTCA[G>C]CAGGTACCGCACTTCTTGAACAAAACCTGCATACTTTAGATAGTCTCCGTATATTCAATG-3'
Protein context (NP_001035957.1, residues 2323-2343): LQLDEVNLYS[Ala2333Pro]GTALLEQNLH